The following is an entry in ClinVar:

NM_000051.4(ATM):c.4196C>A (p.Thr1399Asn)

Gene: ATM (ATM serine/threonine kinase; plus strand). Cytogenetic location: 11q22.3.
Variant type: single nucleotide variant.
Coding change: c.4196C>A on transcript NM_000051.4 (MANE Select); coding-DNA position 4196, C replaced by A.
Protein change: p.Thr1399Asn; replaces threonine 1399 with asparagine.
Molecular consequence: missense variant.
Genome position (GRCh38, 1-based): chr11:108,289,063, C>A. VCF-style: chr11-108289063-C-A. GRCh37 (hg19) VCF-style: chr11-108159790-C-A.
Other names: c.4196C>A, p.Thr1399Asn (NM_001351834.2); short protein forms T1399N.
Identifiers: ClinVar variation 187474 (VCV000187474.42), dbSNP rs786203761, ClinGen allele CA197737.

ClinVar aggregate classification (germline): Uncertain significance. Review status: criteria provided, multiple submitters, no conflicts (2 of 4 stars). 9 submissions from 9 submitters: Uncertain significance (9). Last evaluated 2025-10-23.

Conditions:
Hereditary cancer-predisposing syndrome. Also called: Tumor predisposition; Neoplastic Syndromes, Hereditary; Hereditary Cancer Syndrome; Hereditary neoplastic syndrome. Identifiers: Orphanet 140162, MedGen C0027672, MeSH D009386, MONDO:0015356.
Familial cancer of breast. Also called: hereditary breast carcinoma; BREAST CANCER, FAMILIAL; Hereditary breast cancer. Identifiers: Orphanet 227535, MedGen C0346153, MONDO:0016419, OMIM 114480. Disease mechanism: loss of function.
Ataxia-telangiectasia syndrome (AT). Also called: LOUIS-BAR SYNDROME; Ataxia-telangiectasia, complementation group D; Ataxia telangiectasia (A-T); AT, COMPLEMENTATION GROUP C; ATAXIA-TELANGIECTASIA, COMPLEMENTATION GROUP A; ATAXIA-TELANGIECTASIA, FRESNO VARIANT. Identifiers: Orphanet 100, MedGen C0004135, MONDO:0008840, OMIM 208900.

Allele frequency attached by ClinVar (database versions not stated): gnomAD 0.00001.
gnomAD v4.1: 27 of 1,612,132 alleles (0.0017%); highest among the groups gnomAD compares: Non-Finnish European, 0.0022%; no homozygotes.

Submissions (9):

Labcorp Genetics (formerly Invitae), Labcorp
Classification: Uncertain significance for Ataxia-telangiectasia syndrome. Last evaluated: 2025-10-23. Review status: criteria provided, single submitter. Criteria: Invitae Variant Classification Sherloc (09022015). Collection method: clinical testing. Allele origin: germline.
Comment: This sequence change replaces threonine, which is neutral and polar, with asparagine, which is neutral and polar, at codon 1399 of the ATM protein (p.Thr1399Asn). This variant is not present in population databases (gnomAD no frequency). This variant has not been reported in the literature in individuals affected with ATM-related conditions. ClinVar contains an entry for this variant (Variation ID: 187474). Invitae Evidence Modeling of protein sequence and biophysical properties (such as structural, functional, and spatial information, amino acid conservation, physicochemical variation, residue mobility, and thermodynamic stability) indicates that this missense variant is not expected to disrupt ATM protein function with a negative predictive value of 95%. In summary, the available evidence is currently insufficient to determine the role of this variant in disease. Therefore, it has been classified as a Variant of Uncertain Significance.

Women's Health and Genetics/Laboratory Corporation of America, LabCorp
Classification: Uncertain significance. Last evaluated: 2025-07-31. Review status: criteria provided, single submitter. Criteria: LabCorp Variant Classification Summary - May 2015. Collection method: clinical testing. Allele origin: germline.
Comment: Variant summary: ATM c.4196C>A (p.Thr1399Asn) results in a non-conservative amino acid change in the encoded protein sequence. Algorithms developed to predict the effect of missense changes on protein structure and function are either unavailable or do not agree on the potential impact of this missense change. The variant was absent in 250996 control chromosomes. The available data on variant occurrences in the general population are insufficient to allow any conclusion about variant significance. c.4196C>A has been observed in individual(s) affected with Breast Cancer (Tung_2014). These report(s) do not provide unequivocal conclusions about association of the variant with Breast Cancer. To our knowledge, no experimental evidence demonstrating an impact on protein function has been reported. The following publication have been ascertained in the context of this evaluation (PMID: 25186627). ClinVar contains an entry for this variant (Variation ID: 187474). Based on the evidence outlined above, the variant was classified as uncertain significance.

Molecular Pathology, Peter Maccallum Cancer Centre
Classification: Uncertain significance for Ataxia-telangiectasia syndrome. Last evaluated: 2024-09-04. Review status: criteria provided, single submitter. Criteria: ACMG Guidelines, 2015. Collection method: clinical testing. Allele origin: germline. Inheritance: Autosomal recessive inheritance.

CeGaT Center for Human Genetics Tuebingen
Classification: Uncertain significance. Last evaluated: 2024-07-01. Review status: criteria provided, single submitter. Criteria: CeGaT Center For Human Genetics Tuebingen Variant Classification Criteria Version 2. Collection method: clinical testing. Allele origin: germline. Affected: yes. Observed: 1 variant allele.
Comment: ATM: PM2, PS4:Moderate, BP1, BP4

Baylor Genetics
Classification: Uncertain significance for Familial cancer of breast. Last evaluated: 2024-02-24. Review status: criteria provided, single submitter. Criteria: ACMG Guidelines, 2015. Collection method: clinical testing. Allele origin: unknown.

Blueprint Genetics
Classification: Uncertain significance. Last evaluated: 2024-02-20. Review status: criteria provided, single submitter. Criteria: ACMG Guidelines, 2015. Collection method: clinical testing. Allele origin: germline.

Ambry Genetics
Classification: Uncertain significance for Hereditary cancer-predisposing syndrome. Last evaluated: 2024-01-19. Review status: criteria provided, single submitter. Criteria: Ambry Variant Classification Scheme 2023. Collection method: clinical testing. Allele origin: germline.
Comment: The p.T1399N variant (also known as c.4196C>A), located in coding exon 27 of the ATM gene, results from a C to A substitution at nucleotide position 4196. The threonine at codon 1399 is replaced by asparagine, an amino acid with similar properties. This alteration has been identified in multiple individuals diagnosed with breast cancer (Tung N et al. Cancer, 2015 Jan;121:25-33; Decker B et al. J. Med. Genet. 2017 Nov;54:732-741). This amino acid position is not well conserved in available vertebrate species. In addition, this alteration is predicted to be tolerated by in silico analysis. Since supporting evidence is limited at this time, the clinical significance of this alteration remains unclear.

GeneDx
Classification: Uncertain significance. Last evaluated: 2023-09-20. Review status: criteria provided, single submitter. Criteria: GeneDx Variant Classification Process June 2021. Collection method: clinical testing. Allele origin: germline. Affected: yes.
Comment: Not observed at significant frequency in large population cohorts (gnomAD); In silico analysis supports that this missense variant does not alter protein structure/function; This variant is associated with the following publications: (PMID: 28779002, 25186627)

Color Diagnostics, LLC DBA Color Health
Classification: Uncertain significance for Hereditary cancer-predisposing syndrome. Last evaluated: 2023-03-07. Review status: criteria provided, single submitter. Criteria: ACMG Guidelines, 2015. Collection method: clinical testing. Allele origin: germline.
Comment: This missense variant replaces threonine with asparagine at codon 1399 of the ATM protein. Computational prediction suggests that this variant may not impact protein structure and function (internally defined REVEL score threshold <= 0.5, PMID: 27666373). To our knowledge, functional studies have not been reported for this variant. This variant has been reported in at least two individuals affected with breast cancer (PMID: 20305132, 28779002) and detected in a breast cancer case-control meta-analysis in 1/60466 cases and 1/53461 unaffected individuals (PMID: 33471991; Leiden Open Variation Database DB-ID ATM_002354). This variant has not been identified in the general population by the Genome Aggregation Database (gnomAD). The available evidence is insufficient to determine the role of this variant in disease conclusively. Therefore, this variant is classified as a Variant of Uncertain Significance.

Literature cited by the submitters: PubMed 25186627 (cited by Women's Health and Genetics/Laboratory Corporation of America, LabCorp and Ambry Genetics); PubMed 28779002 (cited by Ambry Genetics and Color Diagnostics, LLC DBA Color Health); PubMed 20305132 (cited by Color Diagnostics, LLC DBA Color Health); PubMed 33471991 (cited by Color Diagnostics, LLC DBA Color Health).